The following is an entry in ClinVar:

NM_003823.4(TNFRSF6B):c.768G>T (p.Lys256Asn)

Genes: RTEL1-TNFRSF6B (RTEL1-TNFRSF6B readthrough (NMD candidate); plus strand), TNFRSF6B (TNF receptor superfamily member 6b; plus strand). Cytogenetic location: 20q13.33.
Variant type: single nucleotide variant.
Coding change: c.768G>T on transcript NM_003823.4 (MANE Select); coding-DNA position 768, G replaced by T.
Protein change: p.Lys256Asn; replaces lysine 256 with asparagine.
Molecular consequence: missense variant. On other transcripts: non-coding transcript variant (1).
Genome position (GRCh38, 1-based): chr20:63,698,428, G>T. VCF-style: chr20-63698428-G-T. GRCh37 (hg19) VCF-style: chr20-62329781-G-T.
Other names: short protein forms K256N.
Identifiers: ClinVar variation 4699881 (VCV004699881.1).
Genomic context (GRCh38, chr20:63,698,428, plus strand): 5'-CGAGGCCCCGGAGGGCTGGGGTCCGACACCAAGGGCGGGCCGCGCGGCCTTGCAGCTGAA[G>T]CTGCGTCGGCGGCTCACGGAGCTCCTGGGGGCGCAGGACGGGGCGCTGCTGGTGCGGCTG-3'
Protein context (NP_003814.1, residues 246-266): PRAGRAALQL[Lys256Asn]LRRRLTELLG

ClinVar aggregate classification (germline): Uncertain significance (1 of 4 stars; one submission).

gnomAD v4.1: 1 of 1,578,252 alleles (0.000063%); highest among the groups gnomAD compares: East Asian, 0.0023%; no homozygotes.

Submission:

Labcorp Genetics (formerly Invitae), Labcorp
Classification: Uncertain significance. Last evaluated: 2025-09-01. Review status: criteria provided, single submitter. Criteria: Invitae Variant Classification Sherloc (09022015). Collection method: clinical testing. Allele origin: germline.
Comment: This sequence change replaces lysine, which is basic and polar, with asparagine, which is neutral and polar, at codon 256 of the TNFRSF6B protein (p.Lys256Asn). The frequency data for this variant in the population databases is considered unreliable, as metrics indicate poor data quality at this position in the gnomAD database. This variant has not been reported in the literature in individuals affected with TNFRSF6B-related conditions. An algorithm developed to predict the effect of missense changes on protein structure and function (PolyPhen-2) suggests that this variant is likely to be tolerated. In summary, the available evidence is currently insufficient to determine the role of this variant in disease. Therefore, it has been classified as a Variant of Uncertain Significance.